The following is an entry in ClinVar:

ClinVar aggregate classification (germline): Uncertain significance (1 of 4 stars; one submission).

Submission:

GeneDx
Classification: Uncertain significance. Last evaluated: 2024-09-11. Review status: criteria provided, single submitter. Criteria: GeneDx Variant Classification Process June 2021. Collection method: clinical testing. Allele origin: germline. Affected: yes.
Comment: Not observed at significant frequency in large population cohorts (gnomAD); In silico analysis indicates that this missense variant does not alter protein structure/function; Has not been previously published as pathogenic or benign to our knowledge

NM_001145026.2(PTPRQ):c.4490C>T (p.Thr1497Ile)

Gene: PTPRQ (protein tyrosine phosphatase receptor type Q; plus strand). Cytogenetic location: 12q21.31.
Variant type: single nucleotide variant.
Coding change: c.4490C>T on transcript NM_001145026.2 (MANE Select); coding-DNA position 4490, C replaced by T.
Protein change: p.Thr1497Ile; replaces threonine 1497 with isoleucine.
Molecular consequence: missense variant.
Genome position (GRCh38, 1-based): chr12:80,588,333, C>T. VCF-style: chr12-80588333-C-T. GRCh37 (hg19) VCF-style: chr12-80982112-C-T.
Other names: short protein forms T1497I.
Identifiers: ClinVar variation 3769956 (VCV003769956.1).